The following is an entry in ClinVar:

ClinVar aggregate classification (germline): Uncertain significance (1 of 4 stars; one submission).

Allele frequency attached by ClinVar (database versions not stated): gnomAD exomes below 0.00001; ExAC 0.00001; gnomAD 0.00001; TOPMed 0.00002.
gnomAD v4.1: 4 of 1,613,640 alleles (0.00025%); highest among the groups gnomAD compares: African/African-American, 0.0053%; no homozygotes.

Submission:

Labcorp Genetics (formerly Invitae), Labcorp
Classification: Uncertain significance. Last evaluated: 2022-05-15. Review status: criteria provided, single submitter. Criteria: Invitae Variant Classification Sherloc (09022015). Collection method: clinical testing. Allele origin: germline.
Comment: In summary, the available evidence is currently insufficient to determine the role of this variant in disease. Therefore, it has been classified as a Variant of Uncertain Significance. Algorithms developed to predict the effect of missense changes on protein structure and function are either unavailable or do not agree on the potential impact of this missense change (SIFT: "Deleterious"; PolyPhen-2: "Benign"; Align-GVGD: "Class C0"). This variant has not been reported in the literature in individuals affected with GPR179-related conditions. This variant is present in population databases (rs767762847, gnomAD 0.01%). This sequence change replaces alanine, which is neutral and non-polar, with threonine, which is neutral and polar, at codon 1771 of the GPR179 protein (p.Ala1771Thr).

NM_001004334.4(GPR179):c.5311G>A (p.Ala1771Thr)

Gene: GPR179 (G protein-coupled receptor 179; minus strand). Cytogenetic location: 17q12.
Variant type: single nucleotide variant.
Coding change: c.5311G>A on transcript NM_001004334.4 (MANE Select); coding-DNA position 5311, G replaced by A.
Protein change: p.Ala1771Thr; replaces alanine 1771 with threonine.
Molecular consequence: missense variant.
Genome position (GRCh38, 1-based): chr17:38,328,258, C>T on the plus strand (G>A on the coding strand, the complement: GPR179 is on the minus strand). VCF-style: chr17-38328258-C-T. GRCh37 (hg19) VCF-style: chr17-36484141-C-T.
Other names: short protein forms A1771T.
Identifiers: ClinVar variation 1994547 (VCV001994547.4), dbSNP rs767762847, ClinGen allele CA290103641.